The following is an entry in ClinVar:

ClinVar aggregate classification (germline): Uncertain significance. Review status: criteria provided, multiple submitters, no conflicts (2 of 4 stars). 7 submissions from 3 submitters: Uncertain significance (7). Last evaluated 2023-04-11.

Conditions:
Retinitis pigmentosa (RP). Identifiers: Orphanet 791, MedGen C0035334, MeSH D012174, MONDO:0019200, OMIM 268000. Inheritance: Autosomal dominant, autosomal recessive and X linked inheritance.
Pigmented paravenous retinochoroidal atrophy. Identifiers: Orphanet 251295, MedGen C1868310, MONDO:0008246, OMIM 172870.
Leber congenital amaurosis 8 (LCA8). Identifiers: Orphanet 65, MedGen C3151202, MONDO:0013453, OMIM 613835.
Retinitis pigmentosa 12 (RP12). Also called: RP WITH OR WITHOUT PPRPE; RP WITH OR WITHOUT PRESERVED PARAARTERIOLE RETINAL PIGMENT EPITHELIUM; RETINITIS PIGMENTOSA WITH OR WITHOUT PARAARTERIOLAR PRESERVATION OF RETINAL PIGMENT EPITHELIUM. Identifiers: Orphanet 791, MedGen C1838647, MONDO:0010818, OMIM 600105.

Allele frequency attached by ClinVar (database versions not stated): gnomAD exomes below 0.00001 and 0.00001; TOPMed below 0.00001; ExAC 0.00002.
gnomAD v4.1: 6 of 1,613,960 alleles (0.00037%); highest among the groups gnomAD compares: Non-Finnish European, 0.00034%; no homozygotes.

Submissions (7):

Genome-Nilou Lab
Classification: Uncertain significance for Leber congenital amaurosis 8. Last evaluated: 2023-04-11. Review status: criteria provided, single submitter. Criteria: ACMG Guidelines, 2015. Collection method: clinical testing. Allele origin: germline. Affected: no.

Genome-Nilou Lab
Classification: Uncertain significance for Pigmented paravenous retinochoroidal atrophy. Last evaluated: 2023-04-11. Review status: criteria provided, single submitter. Criteria: ACMG Guidelines, 2015. Collection method: clinical testing. Allele origin: germline. Affected: no.

Genome-Nilou Lab
Classification: Uncertain significance for Retinitis pigmentosa 12. Last evaluated: 2023-04-11. Review status: criteria provided, single submitter. Criteria: ACMG Guidelines, 2015. Collection method: clinical testing. Allele origin: germline. Affected: no.

Blueprint Genetics
Classification: Uncertain significance. Last evaluated: 2019-02-05. Review status: criteria provided, single submitter. Criteria: ACMG Guidelines, 2015. Collection method: clinical testing. Allele origin: germline.

Illumina Laboratory Services, Illumina
Classification: Uncertain significance for Pigmented paravenous retinochoroidal atrophy. Last evaluated: 2017-04-28. Review status: criteria provided, single submitter. Criteria: ICSL Variant Classification Criteria 13 December 2019. Collection method: clinical testing. Allele origin: germline.
Comment: This variant was observed as part of a predisposition screen in an ostensibly healthy population. A literature search was performed for the gene, cDNA change, and amino acid change (where applicable). Publications were found based on this search. However, the evidence from the literature, in combination with allele frequency data from public databases where available, was not sufficient to rule this variant in or out of causing disease. Therefore, this variant is classified as a variant of unknown significance.

Illumina Laboratory Services, Illumina
Classification: Uncertain significance for Retinitis pigmentosa. Last evaluated: 2017-04-28. Review status: criteria provided, single submitter. Criteria: ICSL Variant Classification Criteria 13 December 2019. Collection method: clinical testing. Allele origin: germline.
Comment: the same text as in the submission from Illumina Laboratory Services, Illumina above.

Illumina Laboratory Services, Illumina
Classification: Uncertain significance for Leber congenital amaurosis 8. Last evaluated: 2017-04-28. Review status: criteria provided, single submitter. Criteria: ICSL Variant Classification Criteria 13 December 2019. Collection method: clinical testing. Allele origin: germline.
Comment: the same text as in the submission from Illumina Laboratory Services, Illumina above.

Literature cited by the submitters: PubMed 22065545 (cited by Illumina Laboratory Services, Illumina); PubMed 20956273 (cited by Illumina Laboratory Services, Illumina).

NM_201253.3(CRB1):c.3103C>T (p.His1035Tyr)

Gene: CRB1 (crumbs cell polarity complex component 1; plus strand). Cytogenetic location: 1q31.3.
Variant type: single nucleotide variant.
Coding change: c.3103C>T on transcript NM_201253.3 (MANE Select); coding-DNA position 3103, C replaced by T.
Protein change: p.His1035Tyr; replaces histidine 1035 with tyrosine.
Molecular consequence: missense variant. On other transcripts: non-coding transcript variant (2), intron variant (1).
Genome position (GRCh38, 1-based): chr1:197,434,966, C>T. VCF-style: chr1-197434966-C-T. GRCh37 (hg19) VCF-style: chr1-197404096-C-T.
Other names: c.2767C>T, p.His923Tyr (NM_001193640.2); c.3031C>T, p.His1011Tyr (NM_001257965.2); c.2129-634C>T (NM_001257966.2); short protein forms H1035Y, H923Y, H1011Y.
Identifiers: ClinVar variation 866293 (VCV000866293.7), dbSNP rs752329622, ClinGen allele CA1312275.
Genomic context (GRCh38, chr1:197,434,966, plus strand): 5'-GGCAACAGCTTTTATATGCTAAGTCTGACAAGTTTGCAGTCAGTGAATGATGGCACATGG[C>T]ACGAAGTGACCCTTTCCATGACAGACCCACTGTCCCAGACCTCCAGGTGGCAAATGGAAG-3'
Protein context (NP_957705.1, residues 1025-1045): SLQSVNDGTW[His1035Tyr]EVTLSMTDPL